The following is an entry in ClinVar:

ClinVar aggregate classification (germline): Uncertain significance (1 of 4 stars; one submission).

Conditions:
Tuberous sclerosis 1 (TSC1). Identifiers: Orphanet 805, MedGen C1854465, MONDO:0008612, OMIM 191100.

Submission:

Labcorp Genetics (formerly Invitae), Labcorp
Classification: Uncertain significance for Tuberous sclerosis 1. Last evaluated: 2022-08-08. Review status: criteria provided, single submitter. Criteria: Invitae Variant Classification Sherloc (09022015). Collection method: clinical testing. Allele origin: germline.
Comment: In summary, the available evidence is currently insufficient to determine the role of this variant in disease. Therefore, it has been classified as a Variant of Uncertain Significance. Algorithms developed to predict the effect of missense changes on protein structure and function (SIFT, PolyPhen-2, Align-GVGD) all suggest that this variant is likely to be tolerated. This variant has not been reported in the literature in individuals affected with TSC1-related conditions. This variant is not present in population databases (gnomAD no frequency). This sequence change replaces valine, which is neutral and non-polar, with alanine, which is neutral and non-polar, at codon 674 of the TSC1 protein (p.Val674Ala).

NM_000368.5(TSC1):c.2021T>C (p.Val674Ala)

Gene: TSC1 (TSC complex subunit 1; minus strand). Cytogenetic location: 9q34.13.
Variant type: single nucleotide variant.
Coding change: c.2021T>C on transcript NM_000368.5 (MANE Select); coding-DNA position 2021, T replaced by C.
Protein change: p.Val674Ala; replaces valine 674 with alanine.
Molecular consequence: missense variant.
Genome position (GRCh38, 1-based): chr9:132,904,431, A>G on the plus strand (T>C on the coding strand, the complement: TSC1 is on the minus strand). VCF-style: chr9-132904431-A-G. GRCh37 (hg19) VCF-style: chr9-135779818-A-G.
Other names: c.2018T>C, p.Val673Ala (NM_001162426.2, NM_001406597.1, NM_001406598.1 and 6 more transcripts); c.1868T>C, p.Val623Ala (NM_001162427.2, NM_001406610.1); c.1658T>C, p.Val553Ala (NM_001362177.2, NM_001406614.1, NM_001406615.1 and 5 more transcripts); c.2021T>C, p.Val674Ala (NM_001406592.1, NM_001406593.1, NM_001406594.1 and 7 more transcripts); c.1655T>C, p.Val552Ala (NM_001406620.1, NM_001406621.1, NM_001406622.1 and 2 more transcripts); c.1865T>C, p.Val622Ala (NM_001406611.1, NM_001406612.1, NM_001406613.1); c.1070T>C, p.Val357Ala (NM_001406626.1); c.1067T>C, p.Val356Ala (NM_001406627.1, NM_001406628.1); and 1 more; short protein forms V323A, V356A, V357A, V552A, V553A, V622A, V623A, V673A.
Identifiers: ClinVar variation 1715433 (VCV001715433.5), dbSNP rs1588305911, ClinGen allele CA375361344.
Genomic context (GRCh38, chr9:132,904,431, plus strand): 5'-ACCATGTGGGCTGGATTTGGAGCTAAAGTAACAACTTTACCTCCAAAGTGGGTCCAGTCG[A>G]CAGACTTGCTGGGTAAAGGCAACCTAGGAAGAAAGTTTTTGAGTAACAAAGTTACCGATC-3'
Protein context (NP_000359.1, residues 664-684): LNKLPLPSKS[Val674Ala]DWTHFGGSPP